The following is an entry in ClinVar:

ClinVar aggregate classification (germline): Uncertain significance (1 of 4 stars; one submission).

Submission:

Labcorp Genetics (formerly Invitae), Labcorp
Classification: Uncertain significance. Last evaluated: 2025-07-02. Review status: criteria provided, single submitter. Criteria: Invitae Variant Classification Sherloc (09022015). Collection method: clinical testing. Allele origin: germline.
Comment: This sequence change replaces arginine, which is basic and polar, with leucine, which is neutral and non-polar, at codon 3667 of the HMCN1 protein (p.Arg3667Leu). This variant is not present in population databases (gnomAD no frequency). This variant has not been reported in the literature in individuals affected with HMCN1-related conditions. An algorithm developed to predict the effect of missense changes on protein structure and function (PolyPhen-2) suggests that this variant is likely to be tolerated. In summary, the available evidence is currently insufficient to determine the role of this variant in disease. Therefore, it has been classified as a Variant of Uncertain Significance.

NM_031935.3(HMCN1):c.11000G>T (p.Arg3667Leu)

Gene: HMCN1 (hemicentin 1; plus strand). Cytogenetic location: 1q31.1.
Variant type: single nucleotide variant.
Coding change: c.11000G>T on transcript NM_031935.3 (MANE Select); coding-DNA position 11000, G replaced by T.
Protein change: p.Arg3667Leu; replaces arginine 3667 with leucine.
Molecular consequence: missense variant.
Genome position (GRCh38, 1-based): chr1:186,112,822, G>T. VCF-style: chr1-186112822-G-T. GRCh37 (hg19) VCF-style: chr1-186081954-G-T.
Other names: short protein forms R3667L.
Identifiers: ClinVar variation 4774469 (VCV004774469.1).